The following is an entry in ClinVar:

NM_000136.3(FANCC):c.189A>T (p.Arg63Ser)

Gene: FANCC (FA complementation group C; minus strand). Cytogenetic location: 9q22.32.
Variant type: single nucleotide variant.
Coding change: c.189A>T on transcript NM_000136.3 (MANE Select); coding-DNA position 189, A replaced by T.
Protein change: p.Arg63Ser; replaces arginine 63 with serine.
Molecular consequence: missense variant.
Genome position (GRCh38, 1-based): chr9:95,247,493, T>A on the plus strand (A>T on the coding strand, the complement: FANCC is on the minus strand). VCF-style: chr9-95247493-T-A. GRCh37 (hg19) VCF-style: chr9-98009775-T-A.
Other names: c.189A>T (NM_000136.2); c.189A>T, p.Arg63Ser (NM_001243743.2, NM_001243744.2); short protein forms R63S.
Identifiers: ClinVar variation 1437237 (VCV001437237.7), dbSNP rs773388565, ClinGen allele CA196921454.

ClinVar aggregate classification (germline): Uncertain significance. Review status: criteria provided, multiple submitters, no conflicts (2 of 4 stars). 3 submissions from 3 submitters: Uncertain significance (3). Last evaluated 2024-01-04.

Conditions:
Hereditary cancer-predisposing syndrome. Also called: Neoplastic Syndromes, Hereditary; Hereditary Cancer Syndrome; Hereditary neoplastic syndrome; Tumor predisposition. Identifiers: Orphanet 140162, MedGen C0027672, MeSH D009386, MONDO:0015356.
Fanconi anemia (FA). Also called: Fanconi's anemia. Identifiers: Orphanet 84, MedGen C0015625, MeSH D005199, MONDO:0019391.

Allele frequency attached by ClinVar (database versions not stated): gnomAD 0.00001; TOPMed 0.00001.
gnomAD v4.1: 1 of 1,613,510 alleles (0.000062%); highest among the groups gnomAD compares: Non-Finnish European, 0.000085%; no homozygotes.

Submissions (3):

Quest Diagnostics Nichols Institute San Juan Capistrano
Classification: Uncertain significance. Last evaluated: 2024-01-04. Review status: criteria provided, single submitter. Criteria: Quest Diagnostics criteria. Collection method: clinical testing. Allele origin: unknown.
Comment: The FANCC c.189A>T (p.Arg63Ser) variant has not been reported in individuals with FANCC-related conditions in the published literature. The frequency of this variant in the general population, 0.0000066 (1/152226 chromosomes (Genome Aggregation Database)), is uninformative in the assessment of its pathogenicity. Analysis of this variant using bioinformatics tools for the prediction of the effect of amino acid changes on protein structure and function yielded conflicting predictions that this variant is benign or damaging. Based on the available information, we are unable to determine the clinical significance of this variant.

Ambry Genetics
Classification: Uncertain significance for Hereditary cancer-predisposing syndrome. Last evaluated: 2023-10-27. Review status: criteria provided, single submitter. Criteria: Ambry Variant Classification Scheme 2023. Collection method: clinical testing. Allele origin: germline.
Comment: The p.R63S variant (also known as c.189A>T), located in coding exon 2 of the FANCC gene, results from an A to T substitution at nucleotide position 189. The arginine at codon 63 is replaced by serine, an amino acid with dissimilar properties. This amino acid position is conserved. In addition, this alteration is predicted to be tolerated by in silico analysis. Since supporting evidence is limited at this time, the clinical significance of this alteration remains unclear.

Labcorp Genetics (formerly Invitae), Labcorp
Classification: Uncertain significance for Fanconi anemia. Last evaluated: 2021-10-14. Review status: criteria provided, single submitter. Criteria: Invitae Variant Classification Sherloc (09022015). Collection method: clinical testing. Allele origin: germline.
Comment: This sequence change replaces arginine with serine at codon 63 of the FANCC protein (p.Arg63Ser). The arginine residue is moderately conserved and there is a moderate physicochemical difference between arginine and serine. This variant is not present in population databases (ExAC no frequency). This variant has not been reported in the literature in individuals affected with FANCC-related conditions. Algorithms developed to predict the effect of missense changes on protein structure and function (SIFT, PolyPhen-2, Align-GVGD) all suggest that this variant is likely to be tolerated. In summary, the available evidence is currently insufficient to determine the role of this variant in disease. Therefore, it has been classified as a Variant of Uncertain Significance.